The following is an entry in ClinVar:

ClinVar aggregate classification (germline): Uncertain significance. Review status: criteria provided, single submitter (1 of 4 stars). 2 submissions from 2 submitters: Uncertain significance (1). 1 of the submissions does not count toward it. Last evaluated 2022-04-26.

Conditions:
Meniere disease. Also called: Ménière's disease. Identifiers: MedGen C0025281, MONDO:0007972, OMIM 156000.
Combined immunodeficiency due to LRBA deficiency. Also called: Common variable immunodeficiency 8, with autoimmunity. Identifiers: Orphanet 445018, MedGen C3553512, MONDO:0013863, OMIM 614700.

Allele frequency attached by ClinVar (database versions not stated): TOPMed 0.00003; gnomAD 0.00004; ESP Exome Variant Server 0.00008; gnomAD exomes 0.00002; ExAC 0.00003.
gnomAD v4.1: 112 of 1,613,470 alleles (0.0069%); highest among the groups gnomAD compares: Non-Finnish European, 0.0091%; no homozygotes.

Submissions (2):

Labcorp Genetics (formerly Invitae), Labcorp
Classification: Uncertain significance for Combined immunodeficiency due to LRBA deficiency. Last evaluated: 2022-04-26. Review status: criteria provided, single submitter. Criteria: Invitae Variant Classification Sherloc (09022015). Collection method: clinical testing. Allele origin: germline.
Comment: This sequence change replaces glutamine, which is neutral and polar, with lysine, which is basic and polar, at codon 107 of the LRBA protein (p.Gln107Lys). This variant is present in population databases (rs373476644, gnomAD 0.006%). This variant has not been reported in the literature in individuals affected with LRBA-related conditions. ClinVar contains an entry for this variant (Variation ID: 655103). Algorithms developed to predict the effect of missense changes on protein structure and function are either unavailable or do not agree on the potential impact of this missense change (SIFT: "Tolerated"; PolyPhen-2: "Probably Damaging"; Align-GVGD: "Class C0"). In summary, the available evidence is currently insufficient to determine the role of this variant in disease. Therefore, it has been classified as a Variant of Uncertain Significance.

Center for Computational Biology & Bioinformatics, University of California, San Diego
Classification: Uncertain significance for Meniere disease. Last evaluated: 2024-06-03. Review status: no assertion criteria provided. Collection method: research. Allele origin: germline. Affected: yes. Not counted in ClinVar's aggregate classification.

NM_001364905.1(LRBA):c.319C>A (p.Gln107Lys)

Gene: LRBA (LPS responsive beige-like anchor protein; minus strand). Cytogenetic location: 4q31.3.
Variant type: single nucleotide variant.
Coding change: c.319C>A on transcript NM_001364905.1 (MANE Select); coding-DNA position 319, C replaced by A.
Protein change: p.Gln107Lys; replaces glutamine 107 with lysine.
Molecular consequence: missense variant.
Genome position (GRCh38, 1-based): chr4:150,928,963, G>T on the plus strand (C>A on the coding strand, the complement: LRBA is on the minus strand). VCF-style: chr4-150928963-G-T. GRCh37 (hg19) VCF-style: chr4-151850115-G-T.
Other names: c.319C>A, p.Gln107Lys (NM_001199282.3, NM_001367550.1, NM_006726.5); short protein forms Q107K.
Identifiers: ClinVar variation 655103 (VCV000655103.8), dbSNP rs373476644, ClinGen allele CA3103905.
Genomic context (GRCh38, chr4:150,928,963, plus strand): 5'-CTTGAAGATTCCGTATGCTTTTCTTCAGAATGGCTGTAAACATGCTCCAGACTTCTGCTT[G>T]GCACGTAATGTCACATTTTTCCAGTAGGTCCACCATGCAGTTAATACTCTCACCTTCTTG-3'
Protein context (NP_001351834.1, residues 97-117): DLLEKCDITC[Gln107Lys]AEVWSMFTAI